The following is an entry in ClinVar:

NM_000153.4(GALC):c.818C>T (p.Ser273Phe)

Gene: GALC (galactosylceramidase; minus strand). Cytogenetic location: 14q31.3.
Variant type: single nucleotide variant.
Coding change: c.818C>T on transcript NM_000153.4 (MANE Select); coding-DNA position 818, C replaced by T.
Protein change: p.Ser273Phe; replaces serine 273 with phenylalanine.
Molecular consequence: missense variant. On other transcripts: non-coding transcript variant (1).
Genome position (GRCh38, 1-based): chr14:87,968,425, G>A on the plus strand (C>T on the coding strand, the complement: GALC is on the minus strand). VCF-style: chr14-87968425-G-A. GRCh37 (hg19) VCF-style: chr14-88434769-G-A.
Other names: c.749C>T, p.Ser250Phe (NM_001201401.2); c.740C>T, p.Ser247Phe (NM_001201402.2); c.650C>T, p.Ser217Phe (NM_001424071.1, NM_001424072.1, NM_001424073.1); c.470C>T, p.Ser157Phe (NM_001424074.1, NM_001424075.1); c.185C>T, p.Ser62Phe (NM_001424076.1, NM_001424077.1); short protein forms S157F, S217F, S247F, S250F, S273F, S62F.
Identifiers: ClinVar variation 3895773 (VCV003895773.2).

ClinVar aggregate classification (germline): Conflicting classifications of pathogenicity. Review status: criteria provided, conflicting classifications (1 of 4 stars). 2 submissions from 2 submitters: Likely pathogenic (1); Uncertain significance (1). Last evaluated 2025-03-07.

Conditions:
Galactosylceramide beta-galactosidase deficiency. Also called: GALACTOCEREBROSIDASE DEFICIENCY; GALC DEFICIENCY; GLOBOID CELL LEUKOENCEPHALOPATHY; Krabbe Disease; Leukodystrophy, Globoid Cell. Identifiers: Orphanet 487, MedGen C0023521, MONDO:0009499, OMIM 245200.

Submissions (2):

Women's Health and Genetics/Laboratory Corporation of America, LabCorp
Classification: Likely pathogenic for Galactosylceramide beta-galactosidase deficiency. Last evaluated: 2025-03-07. Review status: criteria provided, single submitter. Criteria: LabCorp Variant Classification Summary - May 2015. Collection method: clinical testing. Allele origin: germline.
Comment: Variant summary: GALC c.818C>T (p.Ser273Phe) results in a non-conservative amino acid change in the encoded protein sequence. Five of five in-silico tools predict a damaging effect of the variant on protein function. The frequency data for this variant in gnomAD is considered unreliable, as metrics indicate poor data quality at this position. c.818C>T has been reported in the literature in at-least one individual affected with Infantile Krabbe Disease (example: Xu_2006). These report(s) do not provide unequivocal conclusions about association of the variant with Krabbe Disease. At least one publication reports experimental evidence evaluating an impact on protein function. The most pronounced variant effect results in <10% of normal activity (Saavedra-Matiz_2016). No submitters have cited clinical-significance assessments for this variant to ClinVar. The following publications have been ascertained in the context of this evaluation (PMID: 16607461, 27638593). Based on the evidence outlined above, the variant was classified as likely pathogenic.

3billion
Classification: Uncertain significance for Galactosylceramide beta-galactosidase deficiency. Last evaluated: 2025-01-09. Review status: criteria provided, single submitter. Criteria: ACMG Guidelines, 2015. Collection method: clinical testing. Allele origin: germline. Affected: yes.
Comment: The variant is not observed in the gnomAD v4.1.0 dataset. Predicted Consequence/Location: Missense variant In silico tool predictions suggest damaging effect of the variant on gene or gene product [REVEL: 0.97 (>=0.6, sensitivity 0.68 and specificity 0.92); 3Cnet: 0.99 (>=0.6, sensitivity 0.72 and precision 0.9)]. The same nucleotide change resulting in the same amino acid change has been previously reported to be associated with GALC-related disorder (PMID: 16607461). However, the evidence of pathogenicity is insufficient at this time. Therefore, this variant is classified as VUS according to the recommendation of ACMG/AMP guideline.

Literature cited by the submitters: PubMed 16607461 (cited by Women's Health and Genetics/Laboratory Corporation of America, LabCorp and 3billion); PubMed 27638593 (cited by Women's Health and Genetics/Laboratory Corporation of America, LabCorp).